The following is an entry in ClinVar:

ClinVar aggregate classification (germline): Benign/Likely benign. Review status: criteria provided, multiple submitters, no conflicts (2 of 4 stars). 4 submissions from 4 submitters: Benign (1); Likely benign (3). Last evaluated 2025-08-15.

Conditions:
Bethlem myopathy 1A. Also called: Bethlem myopathy 1; MYOPATHY, BENIGN CONGENITAL, WITH CONTRACTURES; Bethlem Muscular Dystrophy. Identifiers: Orphanet 610, MedGen CN029274, MONDO:0024530, OMIM 158810.

Allele frequency attached by ClinVar (database versions not stated): gnomAD 0.00014 and 0.00020; TOPMed 0.00021; ExAC 0.00031; gnomAD exomes 0.00038; 1000 Genomes Project 0.00140; 1000 Genomes Project 30x 0.00156.
gnomAD v4.1: 151 of 1,613,100 alleles (0.0094%); highest among the groups gnomAD compares: East Asian, 0.27%; 1 homozygote.

Submissions (4):

Labcorp Genetics (formerly Invitae), Labcorp
Classification: Benign for Bethlem myopathy 1A. Last evaluated: 2025-08-15. Review status: criteria provided, single submitter. Criteria: Invitae Variant Classification Sherloc (09022015). Collection method: clinical testing. Allele origin: germline.

CeGaT Center for Human Genetics Tuebingen
Classification: Likely benign. Last evaluated: 2025-01-01. Review status: criteria provided, single submitter. Criteria: CeGaT Center For Human Genetics Tuebingen Variant Classification Criteria Version 2. Collection method: clinical testing. Allele origin: germline. Affected: yes. Observed: 1 variant allele.
Comment: COL6A1: BP4, BP7

GeneDx
Classification: Likely benign. Last evaluated: 2020-02-11. Review status: criteria provided, single submitter. Criteria: GeneDx Variant Classification Process June 2021. Collection method: clinical testing. Allele origin: germline. Affected: yes.

Eurofins Ntd Llc (ga)
Classification: Likely benign. Last evaluated: 2018-06-14. Review status: criteria provided, single submitter. Criteria: EGL ClinVar v180209 classification definitions. Collection method: clinical testing. Allele origin: germline. Observed: 1 variant allele, 1 heterozygote.

NM_001848.3(COL6A1):c.3078G>A (p.Ala1026=)

Gene: COL6A1 (collagen type VI alpha 1 chain; plus strand). Cytogenetic location: 21q22.3.
Variant type: single nucleotide variant.
Coding change: c.3078G>A on transcript NM_001848.3 (MANE Select); coding-DNA position 3078, G replaced by A.
Protein change: p.Ala1026=; no amino-acid change (alanine 1026 retained).
Molecular consequence: synonymous variant.
Genome position (GRCh38, 1-based): chr21:46,004,004, G>A. VCF-style: chr21-46004004-G-A. GRCh37 (hg19) VCF-style: chr21-47423918-G-A.
Identifiers: ClinVar variation 597549 (VCV000597549.30), dbSNP rs190043330, ClinGen allele CA10071123.